The following is an entry in ClinVar:

ClinVar aggregate classification (germline): Likely benign. Review status: criteria provided, single submitter (1 of 4 stars). 2 submissions from 2 submitters: Likely benign (1). 1 of the submissions does not count toward it. Last evaluated 2024-10-18.

Conditions:
Kufor-Rakeb syndrome (KRS). Also called: PARKINSON DISEASE 9, AUTOSOMAL RECESSIVE, JUVENILE-ONSET. Identifiers: Orphanet 306674, Orphanet 314632, MedGen C1847640, MONDO:0011706, OMIM 606693.
Autosomal recessive spastic paraplegia type 78. Identifiers: Orphanet 513436, MedGen C5567893, MONDO:0014975, OMIM 617225.
ATP13A2-related disorder. Also called: ATP13A2-related disorders; ATP13A2-related condition.

gnomAD v4.1: 23 of 1,614,124 alleles (0.0014%); highest among the groups gnomAD compares: Non-Finnish European, 0.0019%; no homozygotes.

Submissions (2):

Labcorp Genetics (formerly Invitae), Labcorp
Classification: Likely benign for Kufor-Rakeb syndrome; Autosomal recessive spastic paraplegia type 78. Last evaluated: 2024-10-18. Review status: criteria provided, single submitter. Criteria: Invitae Variant Classification Sherloc (09022015). Collection method: clinical testing. Allele origin: germline.

PreventionGenetics, part of Exact Sciences
Classification: Likely benign for ATP13A2-related condition. Last evaluated: 2019-09-10. Review status: no assertion criteria provided. Collection method: clinical testing. Allele origin: germline. Not counted in ClinVar's aggregate classification.
Comment: This variant is classified as likely benign based on ACMG/AMP sequence variant interpretation guidelines (Richards et al. 2015 PMID: 25741868, with internal and published modifications).

NM_022089.4(ATP13A2):c.1428C>T (p.Ala476=)

Gene: ATP13A2 (ATPase cation transporting 13A2; minus strand). Cytogenetic location: 1p36.13.
Variant type: single nucleotide variant.
Coding change: c.1428C>T on transcript NM_022089.4 (MANE Select); coding-DNA position 1428, C replaced by T.
Protein change: p.Ala476=; no amino-acid change (alanine 476 retained).
Molecular consequence: synonymous variant.
Genome position (GRCh38, 1-based): chr1:16,996,090, G>A on the plus strand (C>T on the coding strand, the complement: ATP13A2 is on the minus strand). VCF-style: chr1-16996090-G-A. GRCh37 (hg19) VCF-style: chr1-17322585-G-A.
Other names: c.1413C>T, p.Ala471= (NM_001141973.3, NM_001141974.3).
Identifiers: ClinVar variation 3357015 (VCV003357015.3).